The following is an entry in ClinVar:

ClinVar aggregate classification (germline): Uncertain significance (1 of 4 stars; one submission).

Conditions:
Mucopolysaccharidosis, MPS-IV-B (MPS4B). Also called: MORQUIO SYNDROME B; Mucopolysaccharidosis type IV B; Mucopolysaccharidosis Type IVB; Mucopolysaccharidosis type 4B; Mucopolysaccharidosis Type IVB (Morquio B Disease); Mucopolysaccharidosis type IVB (Morquio). Identifiers: Orphanet 309310, Orphanet 582, MedGen C0086652, MONDO:0009660, OMIM 253010.
GM1 gangliosidosis. Identifiers: Orphanet 354, MedGen C0085131, MONDO:0018149.

Submission:

Labcorp Genetics (formerly Invitae), Labcorp
Classification: Uncertain significance for Mucopolysaccharidosis, MPS-IV-B; GM1 gangliosidosis. Last evaluated: 2025-01-30. Review status: criteria provided, single submitter. Criteria: Invitae Variant Classification Sherloc (09022015). Collection method: clinical testing. Allele origin: germline.
Comment: This sequence change replaces tryptophan, which is neutral and slightly polar, with serine, which is neutral and polar, at codon 539 of the GLB1 protein (p.Trp539Ser). This variant is not present in population databases (gnomAD no frequency). This variant has not been reported in the literature in individuals affected with GLB1-related conditions. Invitae Evidence Modeling of protein sequence and biophysical properties (such as structural, functional, and spatial information, amino acid conservation, physicochemical variation, residue mobility, and thermodynamic stability) indicates that this missense variant is not expected to disrupt GLB1 protein function with a negative predictive value of 95%. In summary, the available evidence is currently insufficient to determine the role of this variant in disease. Therefore, it has been classified as a Variant of Uncertain Significance.

NM_000404.4(GLB1):c.1616G>C (p.Trp539Ser)

Gene: GLB1 (galactosidase beta 1; minus strand). Cytogenetic location: 3p22.3.
Variant type: single nucleotide variant.
Coding change: c.1616G>C on transcript NM_000404.4 (MANE Select); coding-DNA position 1616, G replaced by C.
Protein change: p.Trp539Ser; replaces tryptophan 539 with serine.
Molecular consequence: missense variant.
Genome position (GRCh38, 1-based): chr3:33,014,174, C>G on the plus strand (G>C on the coding strand, the complement: GLB1 is on the minus strand). VCF-style: chr3-33014174-C-G. GRCh37 (hg19) VCF-style: chr3-33055666-C-G.
Other names: c.1526G>C, p.Trp509Ser (NM_001079811.3); c.1223G>C, p.Trp408Ser (NM_001135602.3); c.1760G>C, p.Trp587Ser (NM_001317040.2); c.1616G>C, p.Trp539Ser (NM_001393580.1); short protein forms W408S, W509S, W539S, W587S.
Identifiers: ClinVar variation 3760697 (VCV003760697.2).